The following is an entry in ClinVar:

ClinVar aggregate classification (germline): Uncertain significance (1 of 4 stars; one submission).

Conditions:
Cardiomyopathy (CMYO). Also called: Cardiomyopathies. Identifiers: Orphanet 167848, MedGen C0878544, MONDO:0004994, HP:0001638. Inheritance: Various modes of inheritance.

Submission:

Color Diagnostics, LLC DBA Color Health
Classification: Uncertain significance for Cardiomyopathy. Last evaluated: 2025-07-28. Review status: criteria provided, single submitter. Criteria: ACMG Guidelines, 2015. Collection method: clinical testing. Allele origin: germline.
Comment: This missense variant replaces leucine with phenylalanine at codon 1064 of the RYR2 protein. Computational prediction is inconclusive regarding the impact of this variant on protein structure and function. To our knowledge, functional studies have not been reported for this variant. This variant has not been reported in individuals affected with RYR2-related disorders in the literature. This variant has not been identified in the general population by the Genome Aggregation Database (gnomAD). The available evidence is insufficient to determine the role of this variant in disease conclusively. Therefore, this variant is classified as a Variant of Uncertain Significance.

NM_001035.3(RYR2):c.3192G>C (p.Leu1064Phe)

Gene: RYR2 (ryanodine receptor 2; plus strand). Cytogenetic location: 1q43.
Variant type: single nucleotide variant.
Coding change: c.3192G>C on transcript NM_001035.3 (MANE Select); coding-DNA position 3192, G replaced by C.
Protein change: p.Leu1064Phe; replaces leucine 1064 with phenylalanine.
Molecular consequence: missense variant.
Genome position (GRCh38, 1-based): chr1:237,550,669, G>C. VCF-style: chr1-237550669-G-C. GRCh37 (hg19) VCF-style: chr1-237713969-G-C.
Other names: short protein forms L1064F.
Identifiers: ClinVar variation 4759085 (VCV004759085.1).